The following is an entry in ClinVar:

ClinVar aggregate classification (germline): Uncertain significance (1 of 4 stars; one submission).

Submission:

Labcorp Genetics (formerly Invitae), Labcorp
Classification: Uncertain significance. Last evaluated: 2022-09-09. Review status: criteria provided, single submitter. Criteria: Invitae Variant Classification Sherloc (09022015). Collection method: clinical testing. Allele origin: germline.
Comment: In summary, the available evidence is currently insufficient to determine the role of this variant in disease. Therefore, it has been classified as a Variant of Uncertain Significance. Experimental studies and prediction algorithms are not available or were not evaluated, and the functional significance of this variant is currently unknown. This variant has not been reported in the literature in individuals affected with FOXI3-related conditions. This variant is not present in population databases (gnomAD no frequency). This variant, c.901_903del, results in the deletion of 1 amino acid(s) of the FOXI3 protein (p.Pro301del), but otherwise preserves the integrity of the reading frame.

NM_001135649.3(FOXI3):c.901_903del (p.Pro301del)

Gene: FOXI3 (forkhead box I3; minus strand). Cytogenetic location: 2p11.2.
Variant type: Deletion.
Coding change: c.901_903del on transcript NM_001135649.3 (MANE Select); coding-DNA positions 901 to 903, 3 bases deleted (CCT; older notation c.901_903delCCT).
Protein change: p.Pro301del; deletes proline 301.
Molecular consequence: inframe deletion.
Genome position (GRCh38, 1-based): chr2:88,448,567-88,448,569, AGG deleted on the plus strand (CCT on the coding strand, the reverse complement: FOXI3 is on the minus strand); deleting any 3 consecutive bases within chr2:88,448,567-88,448,571 gives the same sequence; the c. name uses the placement nearest the transcript's 3' end. VCF-style (leftmost placement, unchanged base first): chr2-88448566-CAGG-C. GRCh37 (hg19) VCF-style: chr2-88748085-CAGG-C.
Other names: short protein forms P301del.
Identifiers: ClinVar variation 1924344 (VCV001924344.5), dbSNP rs1573325087, ClinGen allele CA916588472.